The following is an entry in ClinVar:

ClinVar aggregate classification (germline): Uncertain significance (1 of 4 stars; one submission).

Submission:

Labcorp Genetics (formerly Invitae), Labcorp
Classification: Uncertain significance. Last evaluated: 2024-05-06. Review status: criteria provided, single submitter. Criteria: Invitae Variant Classification Sherloc (09022015). Collection method: clinical testing. Allele origin: germline.
Comment: This sequence change replaces glutamine, which is neutral and polar, with histidine, which is basic and polar, at codon 1762 of the POLE protein (p.Gln1762His). This variant is not present in population databases (gnomAD no frequency). This variant has not been reported in the literature in individuals affected with POLE-related conditions. Advanced modeling of protein sequence and biophysical properties (such as structural, functional, and spatial information, amino acid conservation, physicochemical variation, residue mobility, and thermodynamic stability) performed at Invitae indicates that this missense variant is not expected to disrupt POLE protein function with a negative predictive value of 80%. In summary, the available evidence is currently insufficient to determine the role of this variant in disease. Therefore, it has been classified as a Variant of Uncertain Significance.

NM_006231.4(POLE):c.5286G>C (p.Gln1762His)

Gene: POLE (DNA polymerase epsilon, catalytic subunit; minus strand). Cytogenetic location: 12q24.33.
Variant type: single nucleotide variant.
Coding change: c.5286G>C on transcript NM_006231.4 (MANE Select); coding-DNA position 5286, G replaced by C.
Protein change: p.Gln1762His; replaces glutamine 1762 with histidine.
Molecular consequence: missense variant.
Genome position (GRCh38, 1-based): chr12:132,641,739, C>G on the plus strand (G>C on the coding strand, the complement: POLE is on the minus strand). VCF-style: chr12-132641739-C-G. GRCh37 (hg19) VCF-style: chr12-133218325-C-G.
Other names: short protein forms Q1762H.
Identifiers: ClinVar variation 2768920 (VCV002768920.3), dbSNP rs1258541488, ClinGen allele CA387376145.